The following is an entry in ClinVar:

ClinVar aggregate classification (germline): Uncertain significance (1 of 4 stars; one submission).

gnomAD v4.1: 33 of 1,579,020 alleles (0.0021%); highest among the groups gnomAD compares: Admixed American, 0.011%; no homozygotes.

Submission:

Labcorp Genetics (formerly Invitae), Labcorp
Classification: Uncertain significance. Last evaluated: 2025-10-07. Review status: criteria provided, single submitter. Criteria: Invitae Variant Classification Sherloc (09022015). Collection method: clinical testing. Allele origin: germline.
Comment: This sequence change affects codon 393 of the MTMR14 mRNA. It is a 'silent' change, meaning that it does not change the encoded amino acid sequence of the MTMR14 protein. The frequency data for this variant in the population databases is considered unreliable, as metrics indicate poor data quality at this position in the gnomAD database. This variant has not been reported in the literature in individuals affected with MTMR14-related conditions. ClinVar contains an entry for this variant (Variation ID: 2851321). Algorithms developed to predict the effect of sequence changes on RNA splicing suggest that this variant may disrupt the consensus splice site. In summary, the available evidence is currently insufficient to determine the role of this variant in disease. Therefore, it has been classified as a Variant of Uncertain Significance.

NM_001077525.3(MTMR14):c.1179C>T (p.Cys393=)

Gene: MTMR14 (myotubularin related protein 14; plus strand). Cytogenetic location: 3p25.3.
Variant type: single nucleotide variant.
Coding change: c.1179C>T on transcript NM_001077525.3 (MANE Select); coding-DNA position 1179, C replaced by T.
Protein change: p.Cys393=; no amino-acid change (cysteine 393 retained).
Molecular consequence: synonymous variant. On other transcripts: non-coding transcript variant (9).
Genome position (GRCh38, 1-based): chr3:9,687,835, C>T. VCF-style: chr3-9687835-C-T. GRCh37 (hg19) VCF-style: chr3-9729519-C-T.
Other names: c.1179C>T, p.Cys393= (NM_001077526.3, NM_022485.5); c.1248C>T, p.Cys416= (NM_001400518.1, NM_001400521.1); c.1176C>T, p.Cys392= (NM_001400519.1, NM_001400522.1); c.1104C>T, p.Cys368= (NM_001400520.1, NM_001400523.1, NM_001400528.1); c.933C>T, p.Cys311= (NM_001400524.1, NM_001400527.1, NM_001400530.1); c.897C>T, p.Cys299= (NM_001400525.1, NM_001400529.1, NM_001400532.1); c.1173C>T, p.Cys391= (NM_001400526.1); c.930C>T, p.Cys310= (NM_001400531.1); and 5 more.
Identifiers: ClinVar variation 2851321 (VCV002851321.3), dbSNP rs940857214, ClinGen allele CA69964412.
Genomic context (GRCh38, chr3:9,687,835, plus strand): 5'-CTGCCTTGGTTCTTCTCATTGTGCGCTGCTCTTTGGTCTCCTTTAGATTTTCTTCTTCTG[C>T]TTCAATTTTTTGAAGCATATTACCTCCGAGGAGTTCTCTGCTCTGAAGACCCAGAGGTAA-3'
Protein context (NP_001070993.1, residues 383-403): LSKGEEIFFF[Cys393=]FNFLKHITSE